The following is an entry in ClinVar:

ClinVar aggregate classification (germline): Conflicting classifications of pathogenicity. Review status: criteria provided, conflicting classifications (1 of 4 stars). 2 submissions from 2 submitters: Uncertain significance (1); Likely benign (1). Last evaluated 2025-01-27.

Submissions (2):

Labcorp Genetics (formerly Invitae), Labcorp
Classification: Likely benign. Last evaluated: 2025-01-27. Review status: criteria provided, single submitter. Criteria: Invitae Variant Classification Sherloc (09022015). Collection method: clinical testing. Allele origin: germline.

CeGaT Center for Human Genetics Tuebingen
Classification: Uncertain significance. Last evaluated: 2022-10-01. Review status: criteria provided, single submitter. Criteria: CeGaT Center For Human Genetics Tuebingen Variant Classification Criteria Version 2. Collection method: clinical testing. Allele origin: germline. Affected: yes. Observed: 1 variant allele.
Comment: ABCC6: PM2, PM3:Supporting, PP4, BP4

NM_001171.6(ABCC6):c.2996-11T>G

Gene: ABCC6 (ATP binding cassette subfamily C member 6; minus strand). Cytogenetic location: 16p13.11.
Variant type: single nucleotide variant.
Coding change: c.2996-11T>G on transcript NM_001171.6 (MANE Select); 11 bases into the intron before coding-DNA position 2996, T replaced by G.
Molecular consequence: intron variant.
Genome position (GRCh38, 1-based): chr16:16,165,944, A>C on the plus strand (T>G on the coding strand, the complement: ABCC6 is on the minus strand). VCF-style: chr16-16165944-A-C. GRCh37 (hg19) VCF-style: chr16-16259801-A-C.
Other names: c.2654-11T>G (NM_001351800.1).
Identifiers: ClinVar variation 1879337 (VCV001879337.31), dbSNP rs2046860754, ClinGen allele CA2210140342.